The following is an entry in ClinVar:

NM_001165963.4(SCN1A):c.703del (p.Thr235fs)

Gene: SCN1A (sodium voltage-gated channel alpha subunit 1; minus strand). Cytogenetic location: 2q24.3.
Variant type: Deletion.
Coding change: c.703del on transcript NM_001165963.4 (MANE Select); coding-DNA position 703, one base deleted (A; older notation c.703delA).
Protein change: p.Thr235fs; shifts the reading frame from threonine 235.
Molecular consequence: frameshift variant. On other transcripts: non-coding transcript variant (1), 5 prime UTR variant (1).
Genome position (GRCh38, 1-based): chr2:166,051,980, T deleted on the plus strand (A on the coding strand, the reverse complement: SCN1A is on the minus strand); the first of 4 consecutive T bases (chr2:166,051,980-166,051,983); deleting any one gives the same sequence. VCF-style (leftmost placement, unchanged base first): chr2-166051979-GT-G. GRCh37 (hg19) VCF-style: chr2-166908489-GT-G.
Other names: c.703del, p.Thr235fs (NM_001165964.3, NM_001202435.3, NM_001353948.2 and 10 more transcripts); c.-1723del (NM_001353961.2); short protein forms T235fs.
Identifiers: ClinVar variation 2845704 (VCV002845704.3), dbSNP rs2468225465, ClinGen allele CA2586971054.

ClinVar aggregate classification (germline): Pathogenic (1 of 4 stars; one submission).

Conditions:
Early-infantile DEE. Also called: Early infantile epileptic encephalopathy; Early infantile epileptic encephalopathy with suppression bursts; Ohtahara syndrome. Identifiers: Orphanet 1934, MedGen C0393706, MONDO:0800491.

Submission:

Labcorp Genetics (formerly Invitae), Labcorp
Classification: Pathogenic for Early-infantile DEE. Last evaluated: 2023-03-14. Review status: criteria provided, single submitter. Criteria: Invitae Variant Classification Sherloc (09022015). Collection method: clinical testing. Allele origin: germline.
Comment: For these reasons, this variant has been classified as Pathogenic. This variant has not been reported in the literature in individuals affected with SCN1A-related conditions. This variant is not present in population databases (gnomAD no frequency). This sequence change creates a premature translational stop signal (p.Thr235Profs*6) in the SCN1A gene. It is expected to result in an absent or disrupted protein product. Loss-of-function variants in SCN1A are known to be pathogenic (PMID: 17347258, 18930999).

Literature cited by the submitters: PubMed 17347258; PubMed 18930999.